The following is an entry in ClinVar:

ClinVar aggregate classification (germline): Conflicting classifications of pathogenicity. Review status: criteria provided, conflicting classifications (1 of 4 stars). 2 submissions from 2 submitters: Uncertain significance (1); Likely benign (1). Last evaluated 2025-09-10.

Conditions:
Hereditary cancer-predisposing syndrome. Also called: Tumor predisposition; Hereditary neoplastic syndrome; Neoplastic Syndromes, Hereditary; Hereditary Cancer Syndrome. Identifiers: Orphanet 140162, MedGen C0027672, MeSH D009386, MONDO:0015356.
Oligodontia-cancer predisposition syndrome. Also called: TOOTH AGENESIS-COLORECTAL CANCER SYNDROME. Identifiers: Orphanet 300576, MedGen C1837750, MONDO:0012075, OMIM 608615. Disease mechanism: loss of function.

gnomAD v4.1: 1 of 1,612,298 alleles (0.000062%); no homozygotes.

Submissions (2):

Labcorp Genetics (formerly Invitae), Labcorp
Classification: Uncertain significance for Oligodontia-cancer predisposition syndrome. Last evaluated: 2025-09-10. Review status: criteria provided, single submitter. Criteria: Invitae Variant Classification Sherloc (09022015). Collection method: clinical testing. Allele origin: germline.
Comment: This sequence change replaces proline, which is neutral and non-polar, with serine, which is neutral and polar, at codon 494 of the AXIN2 protein (p.Pro494Ser). This variant is not present in population databases (gnomAD no frequency). This variant has not been reported in the literature in individuals affected with AXIN2-related conditions. ClinVar contains an entry for this variant (Variation ID: 819334). An algorithm developed to predict the effect of missense changes on protein structure and function outputs the following: PolyPhen-2: "Benign". The serine amino acid residue is found in multiple mammalian species, which suggests that this missense change does not adversely affect protein function. In summary, the available evidence is currently insufficient to determine the role of this variant in disease. Therefore, it has been classified as a Variant of Uncertain Significance.

Ambry Genetics
Classification: Likely benign for Hereditary cancer-predisposing syndrome. Last evaluated: 2025-01-21. Review status: criteria provided, single submitter. Criteria: Ambry Variant Classification Scheme 2023. Collection method: clinical testing. Allele origin: germline.

NM_004655.4(AXIN2):c.1480C>T (p.Pro494Ser)

Gene: AXIN2 (axin 2; minus strand). Cytogenetic location: 17q24.1.
Variant type: single nucleotide variant.
Coding change: c.1480C>T on transcript NM_004655.4 (MANE Select); coding-DNA position 1480, C replaced by T.
Protein change: p.Pro494Ser; replaces proline 494 with serine.
Molecular consequence: missense variant.
Genome position (GRCh38, 1-based): chr17:65,537,556, G>A on the plus strand (C>T on the coding strand, the complement: AXIN2 is on the minus strand). VCF-style: chr17-65537556-G-A. GRCh37 (hg19) VCF-style: chr17-63533674-G-A.
Other names: c.1480C>T, p.Pro494Ser (NM_001363813.1); short protein forms P494S.
Identifiers: ClinVar variation 819334 (VCV000819334.10), dbSNP rs1598099027, ClinGen allele CA400677419.